The following is an entry in ClinVar:

ClinVar aggregate classification (germline): Likely pathogenic (1 of 4 stars; one submission).

Conditions:
Intellectual disability, autosomal recessive 53 (NEDHSCA). Also called: GLYCOSYLPHOSPHATIDYLINOSITOL BIOSYNTHESIS DEFECT 13; Mental retardation, autosomal recessive 53; NEURODEVELOPMENTAL DISORDER WITH OR WITHOUT HYPOTONIA, SEIZURES, AND CEREBELLAR ATROPHY. Identifiers: Orphanet 488635, MedGen C4310794, MONDO:0014832, OMIM 616917.

Allele frequency attached by ClinVar (database versions not stated): gnomAD exomes below 0.00001 and 0.00001; ExAC 0.00001.
gnomAD v4.1: 2 of 1,604,400 alleles (0.00012%); highest among the groups gnomAD compares: South Asian, 0.0011%; no homozygotes.

Submissions (2):

Labcorp Genetics (formerly Invitae), Labcorp
Classification: Likely pathogenic for Intellectual disability, autosomal recessive 53. Last evaluated: 2025-10-15. Review status: criteria provided, single submitter. Criteria: Invitae Variant Classification Sherloc (09022015). Collection method: clinical testing. Allele origin: germline.
Comment: This sequence change affects a donor splice site in intron 7 of the PIGG gene. It is expected to disrupt RNA splicing. Variants that disrupt the donor or acceptor splice site typically lead to a loss of protein function (PMID: 16199547), and loss-of-function variants in PIGG are known to be pathogenic (PMID: 26996948, 28581210, 28771251). This variant is present in population databases (rs779043705, gnomAD 0.003%). This variant has not been reported in the literature in individuals affected with PIGG-related conditions. ClinVar contains an entry for this variant (Variation ID: 1518232). Algorithms developed to predict the effect of sequence changes on RNA splicing suggest that this variant may disrupt the consensus splice site. In summary, the currently available evidence indicates that the variant is pathogenic, but additional data are needed to prove that conclusively. Therefore, this variant has been classified as Likely Pathogenic.

Dr. Peter K. Rogan Lab, Western University
No classification provided (evidence only). Condition: Colon adenocarcinoma. Review status: no classification provided. Collection method: in vitro. Allele origin: not applicable. Functional consequence: retained intron. Not counted in ClinVar's aggregate classification.

Literature cited by the submitters: PubMed 16199547 (cited by Labcorp Genetics (formerly Invitae), Labcorp); PubMed 26996948 (cited by Labcorp Genetics (formerly Invitae), Labcorp); PubMed 28581210 (cited by Labcorp Genetics (formerly Invitae), Labcorp); PubMed 28771251 (cited by Labcorp Genetics (formerly Invitae), Labcorp).

NM_001127178.3(PIGG):c.1332+1G>A

Gene: PIGG (phosphatidylinositol glycan anchor biosynthesis class G (EMM blood group); plus strand). Cytogenetic location: 4p16.3.
Variant type: single nucleotide variant.
Coding change: c.1332+1G>A on transcript NM_001127178.3 (MANE Select); the canonical splice donor site of the intron after coding-DNA position 1332, G replaced by A.
Molecular consequence: splice donor variant. On other transcripts: intron variant (7).
Genome position (GRCh38, 1-based): chr4:521,274, G>A. VCF-style: chr4-521274-G-A. GRCh37 (hg19) VCF-style: chr4-515063-G-A.
Other names: c.234+25G>A (NM_001345994.2); c.1065+1G>A (NM_001345986.2, NM_001289051.2, NM_001289053.2); c.1041+25G>A (NM_001345987.2); c.-202+47G>A (NM_001345991.2, NM_001345990.2); c.303+1G>A (NM_001345988.2); c.1308+25G>A (NM_017733.5); c.933+1G>A (NM_001289052.2); c.848-386G>A (NM_001289057.2); and 2 more.
Identifiers: ClinVar variation 1518232 (VCV001518232.9), dbSNP rs779043705, ClinGen allele CA2793278.